The following is an entry in ClinVar:

NM_001142864.4(PIEZO1):c.4019G>A (p.Arg1340His)

Gene: PIEZO1 (piezo type mechanosensitive ion channel component 1 (Er blood group); minus strand). Cytogenetic location: 16q24.3.
Variant type: single nucleotide variant.
Coding change: c.4019G>A on transcript NM_001142864.4 (MANE Select); coding-DNA position 4019, G replaced by A.
Protein change: p.Arg1340His; replaces arginine 1340 with histidine.
Molecular consequence: missense variant.
Genome position (GRCh38, 1-based): chr16:88,725,634, C>T on the plus strand (G>A on the coding strand, the complement: PIEZO1 is on the minus strand). VCF-style: chr16-88725634-C-T. GRCh37 (hg19) VCF-style: chr16-88792042-C-T.
Other names: c.2561G>A, p.Arg854His (NM_014745.1); short protein forms R1340H, R854H.
Identifiers: ClinVar variation 2389639 (VCV002389639.6), dbSNP rs529879112, ClinGen allele CA8232281.

ClinVar aggregate classification (germline): Uncertain significance. Review status: criteria provided, multiple submitters, no conflicts (2 of 4 stars). 3 submissions from 3 submitters: Uncertain significance (3). Last evaluated 2025-07-03.

Conditions:
Inborn genetic diseases. Identifiers: MedGen C0950123, MeSH D030342.
Lymphatic malformation 6 (LMPHM6). Also called: GENERALIZED LYMPHATIC DYSPLASIA OF FOTIOU; Lymphedema, hereditary, III; PIEZO1-related generalized lymphatic dysplasia with non-immune hydrops fetalis. Identifiers: Orphanet 568062, MedGen C4225184, MONDO:0014797, OMIM 616843.

Allele frequency attached by ClinVar (database versions not stated): gnomAD 0.00005; 1000 Genomes Project 30x 0.00031; TOPMed 0.00005; 1000 Genomes Project 0.00020.
gnomAD v4.1: 24 of 1,549,460 alleles (0.0015%); highest among the groups gnomAD compares: Admixed American, 0.0098%; no homozygotes.

Submissions (3):

Clinical Genomics Laboratory, Washington University in St. Louis
Classification: Uncertain significance for Lymphatic malformation 6. Last evaluated: 2025-07-03. Review status: criteria provided, single submitter. Criteria: ACMG Guidelines, 2015. Collection method: clinical testing. Allele origin: germline.
Comment: A PIEZO1 c.4019G>A (p.Arg1340His) variant was identified at a heterozygous allelic fraction of 54.2%, a frequency which may be consistent with germline origin. This variant, to our knowledge, has not been reported in the medical literature but has been reported in the ClinVar database as a germline variant of uncertain significance by two submitters (ClinVar variation ID: 2389639). This variant is only observed in 24/1,549,460 alleles in the general population (gnomAD v4.1.0), indicating it is not a common variant. Computational predictors suggest that the variant does not impact PIEZO1 function. Due to limited information, and based on the ACMG/AMP guidelines for variant interpretation (Richards S et al., PMID: 25741868), the clinical significance of this variant is uncertain at this time.

Revvity Omics, Revvity
Classification: Uncertain significance. Last evaluated: 2022-12-08. Review status: criteria provided, single submitter. Criteria: ACMG Guidelines, 2015. Collection method: clinical testing. Allele origin: germline.

Ambry Genetics
Classification: Uncertain significance for Inborn genetic diseases. Last evaluated: 2021-08-16. Review status: criteria provided, single submitter. Criteria: Ambry Variant Classification Scheme 2023. Collection method: clinical testing. Allele origin: germline.